The following is an entry in ClinVar:

ClinVar aggregate classification (germline): Uncertain significance (1 of 4 stars; one submission).

Submission:

GeneDx
Classification: Uncertain significance. Last evaluated: 2023-12-12. Review status: criteria provided, single submitter. Criteria: GeneDx Variant Classification Process June 2021. Collection method: clinical testing. Allele origin: germline. Affected: yes.
Comment: Not observed at significant frequency in large population cohorts (gnomAD); In silico analysis supports that this missense variant has a deleterious effect on protein structure/function; Has not been previously published as pathogenic or benign to our knowledge

NM_005445.4(SMC3):c.1759T>C (p.Phe587Leu)

Gene: SMC3 (structural maintenance of chromosomes 3; plus strand). Cytogenetic location: 10q25.2.
Variant type: single nucleotide variant.
Coding change: c.1759T>C on transcript NM_005445.4 (MANE Select); coding-DNA position 1759, T replaced by C.
Protein change: p.Phe587Leu; replaces phenylalanine 587 with leucine.
Molecular consequence: missense variant.
Genome position (GRCh38, 1-based): chr10:110,591,079, T>C. VCF-style: chr10-110591079-T-C. GRCh37 (hg19) VCF-style: chr10-112350837-T-C.
Other names: short protein forms F587L.
Identifiers: ClinVar variation 3365470 (VCV003365470.1).